The following is an entry in ClinVar:

ClinVar aggregate classification (germline): Pathogenic (1 of 4 stars; one submission).

Submission:

Labcorp Genetics (formerly Invitae), Labcorp
Classification: Pathogenic. Last evaluated: 2023-08-14. Review status: criteria provided, single submitter. Criteria: Invitae Variant Classification Sherloc (09022015). Collection method: clinical testing. Allele origin: germline.
Comment: For these reasons, this variant has been classified as Pathogenic. This variant has not been reported in the literature in individuals affected with ABCC2-related conditions. This variant is not present in population databases (gnomAD no frequency). This sequence change creates a premature translational stop signal (p.Ala579Glyfs*43) in the ABCC2 gene. It is expected to result in an absent or disrupted protein product. Loss-of-function variants in ABCC2 are known to be pathogenic (PMID: 9185779, 16549534, 16952291).

Literature cited by the submitters: PubMed 9185779; PubMed 16549534; PubMed 16952291.

NM_000392.5(ABCC2):c.1733dup (p.Ala579fs)

Gene: ABCC2 (ATP binding cassette subfamily C member 2; plus strand). Cytogenetic location: 10q24.2.
Variant type: Duplication.
Coding change: c.1733dup on transcript NM_000392.5 (MANE Select); coding-DNA position 1733, one base duplicated (A; older notation c.1733dupA).
Protein change: p.Ala579fs; shifts the reading frame from alanine 579.
Molecular consequence: frameshift variant.
Genome position (GRCh38, 1-based): chr10:99,808,147, A duplicated; the last of 4 consecutive A bases (chr10:99,808,144-99,808,147); duplicating any one gives the same sequence. VCF-style (leftmost placement, unchanged base first): chr10-99808143-C-CA. GRCh37 (hg19) VCF-style: chr10-101567900-C-CA.
Other names: short protein forms A579fs.
Identifiers: ClinVar variation 2800247 (VCV002800247.3), dbSNP rs2492905351, ClinGen allele CA471128485.